The following is an entry in ClinVar:

ClinVar aggregate classification (germline): Uncertain significance. Review status: criteria provided, multiple submitters, no conflicts (2 of 4 stars). 2 submissions from 2 submitters: Uncertain significance (2). Last evaluated 2026-05-14.

Conditions:
SLC27A5-related disorder. Also called: SLC27A5-related condition.

Allele frequency attached by ClinVar (database versions not stated): gnomAD 0.00003; TOPMed 0.00006.
gnomAD v4.1: 132 of 1,535,624 alleles (0.0086%); highest among the groups gnomAD compares: Non-Finnish European, 0.011%; no homozygotes.

Submissions (2):

PreventionGenetics, part of Exact Sciences
Classification: Uncertain significance for SLC27A5-related condition. Last evaluated: 2026-05-14. Review status: criteria provided, single submitter. Criteria: ACMG Guidelines, 2015. Collection method: clinical testing. Allele origin: germline.
Comment: The SLC27A5 c.5G>C variant is predicted to result in the amino acid substitution p.Gly2Ala. To our knowledge, this variant has not been reported in the literature. This variant is reported in 0.0065% of alleles in individuals of African descent in gnomAD. At this time, the clinical significance of this variant is uncertain due to the absence of conclusive functional and genetic evidence.

Labcorp Genetics (formerly Invitae), Labcorp
Classification: Uncertain significance. Last evaluated: 2023-09-19. Review status: criteria provided, single submitter. Criteria: Invitae Variant Classification Sherloc (09022015). Collection method: clinical testing. Allele origin: germline.
Comment: In summary, the available evidence is currently insufficient to determine the role of this variant in disease. Therefore, it has been classified as a Variant of Uncertain Significance. An algorithm developed to predict the effect of missense changes on protein structure and function (PolyPhen-2) suggests that this variant is likely to be disruptive. This variant has not been reported in the literature in individuals affected with SLC27A5-related conditions. This variant is present in population databases (rs757936176, gnomAD 0.007%). This sequence change replaces glycine, which is neutral and non-polar, with alanine, which is neutral and non-polar, at codon 2 of the SLC27A5 protein (p.Gly2Ala).

NM_012254.3(SLC27A5):c.5G>C (p.Gly2Ala)

Gene: SLC27A5 (solute carrier family 27 member 5; minus strand). Cytogenetic location: 19q13.43.
Variant type: single nucleotide variant.
Coding change: c.5G>C on transcript NM_012254.3 (MANE Select); coding-DNA position 5, G replaced by C.
Protein change: p.Gly2Ala; replaces glycine 2 with alanine.
Molecular consequence: missense variant.
Genome position (GRCh38, 1-based): chr19:58,511,951, C>G on the plus strand (G>C on the coding strand, the complement: SLC27A5 is on the minus strand). VCF-style: chr19-58511951-C-G. GRCh37 (hg19) VCF-style: chr19-59023318-C-G.
Other names: c.5G>C, p.Gly2Ala (NM_001321196.2); c.5G>C (NM_012254.2); short protein forms G2A.
Identifiers: ClinVar variation 2910553 (VCV002910553.4), dbSNP rs757936176, ClinGen allele CA310609344.